The following is an entry in ClinVar:

NM_173354.5(SIK1):c.1426G>A (p.Glu476Lys)

Gene: SIK1 (salt inducible kinase 1; minus strand). Cytogenetic location: 21q22.3.
Variant type: single nucleotide variant.
Coding change: c.1426G>A on transcript NM_173354.5 (MANE Select); coding-DNA position 1426, G replaced by A.
Protein change: p.Glu476Lys; replaces glutamic acid 476 with lysine.
Molecular consequence: missense variant.
Genome position (GRCh38, 1-based): chr21:43,419,057, C>T on the plus strand (G>A on the coding strand, the complement: SIK1 is on the minus strand). VCF-style: chr21-43419057-C-T. GRCh37 (hg19) VCF-style: chr21-44838937-C-T.
Other names: short protein forms E476K.
Identifiers: ClinVar variation 4739464 (VCV004739464.1).
Genomic context (GRCh38, chr21:43,419,057, plus strand): 5'-TCCTGGGCCCCCGGGGACACTTACATGGCGCGGTGAGTGGGGAGAGGCGGGTGGAGACCT[C>T]GGCCAGGGTGTGCCTCCGGCCCGTGCTGCTGGGCAGGGACTCCTGCGTGTCCTGCTCCTC-3'
Protein context (NP_775490.2, residues 466-486): SSTGRRHTLA[Glu476Lys]VSTRLSPLTA

ClinVar aggregate classification (germline): Uncertain significance (1 of 4 stars; one submission).

Conditions:
Developmental and epileptic encephalopathy, 30 (DEE30). Also called: Epileptic encephalopathy, early infantile, 30. Identifiers: MedGen C4225360, MONDO:0014595, OMIM 616341.

Submission:

Labcorp Genetics (formerly Invitae), Labcorp
Classification: Uncertain significance for Developmental and epileptic encephalopathy, 30. Last evaluated: 2025-12-28. Review status: criteria provided, single submitter. Criteria: Invitae Variant Classification Sherloc (09022015). Collection method: clinical testing. Allele origin: germline.
Comment: This sequence change replaces glutamic acid, which is acidic and polar, with lysine, which is basic and polar, at codon 476 of the SIK1 protein (p.Glu476Lys). The frequency data for this variant in the population databases is considered unreliable, as metrics indicate poor data quality at this position in the gnomAD database. This variant has not been reported in the literature in individuals affected with SIK1-related conditions. An algorithm developed to predict the effect of missense changes on protein structure and function (PolyPhen-2) suggests that this variant is likely to be disruptive. In summary, the available evidence is currently insufficient to determine the role of this variant in disease. Therefore, it has been classified as a Variant of Uncertain Significance.